The following is an entry in ClinVar:

NM_006231.4(POLE):c.4676del (p.Thr1559fs)

Gene: POLE (DNA polymerase epsilon, catalytic subunit; minus strand). Cytogenetic location: 12q24.33.
Variant type: Deletion.
Coding change: c.4676del on transcript NM_006231.4 (MANE Select); coding-DNA position 4676, one base deleted (C; older notation c.4676delC).
Protein change: p.Thr1559fs; shifts the reading frame from threonine 1559.
Molecular consequence: frameshift variant.
Genome position (GRCh38, 1-based): chr12:132,642,872, G deleted on the plus strand (C on the coding strand, the reverse complement: POLE is on the minus strand). VCF-style (leftmost placement, unchanged base first): chr12-132642871-AG-A. GRCh37 (hg19) VCF-style: chr12-133219457-AG-A.
Other names: short protein forms T1559fs.
Identifiers: ClinVar variation 3377792 (VCV003377792.1).

ClinVar aggregate classification (germline): Uncertain significance (1 of 4 stars; one submission).

Conditions:
Colorectal cancer, susceptibility to, 12 (CRCS12). Also called: COLORECTAL CANCER, SUSCEPTIBILITY TO, ON CHROMOSOME 12q24. Identifiers: Orphanet 220460, MedGen C3554460, MONDO:0014038, OMIM 615083.

Submission:

St. Jude Molecular Pathology, St. Jude Children's Research Hospital
Classification: Uncertain significance for Colorectal cancer, susceptibility to, 12. Last evaluated: 2024-04-26. Review status: criteria provided, single submitter. Criteria: St. Jude Assertion Criteria 2020. Collection method: clinical testing. Allele origin: germline.
Comment: The POLE c.4676del (p.Thr1559MetfsTer3) change deletes one nucleotide to cause a frameshift and the creation of a premature stop codon. This change is predicted to cause protein truncation or absence of protein due to nonsense-mediated decay. This variant is absent in gnomAD v2.1.1. The disease mechanism for replication-repair-associated DNA polymerases is loss of proofreading caused by missense changes in the exonuclease domain, whereas protein-truncating variants causing loss-of-function are associated with IMAGE-I syndrome (PMID: 23447401, 30503519). In summary, this variant is pathogenic with respect to IMAGE-I syndrome and of uncertain significance with respect to polymerase proofreading-associated polyposis.